The following is an entry in ClinVar:

NM_000246.4(CIITA):c.2421G>T (p.Leu807=)

Gene: CIITA (class II major histocompatibility complex transactivator; plus strand). Cytogenetic location: 16p13.13.
Variant type: single nucleotide variant.
Coding change: c.2421G>T on transcript NM_000246.4 (MANE Select); coding-DNA position 2421, G replaced by T.
Protein change: p.Leu807=; no amino-acid change (leucine 807 retained).
Molecular consequence: synonymous variant. On other transcripts: intron variant (1).
Genome position (GRCh38, 1-based): chr16:10,907,913, G>T. VCF-style: chr16-10907913-G-T. GRCh37 (hg19) VCF-style: chr16-11001770-G-T.
Other names: p.Leu807=; c.2424G>T, p.Leu808= (NM_001286402.1, NM_001379332.1); c.2277G>T, p.Leu759= (NM_001379330.1); c.2274G>T, p.Leu758= (NM_001379331.1); c.2421G>T, p.Leu807= (NM_001379333.1); c.2352G>T, p.Leu784= (NM_001379334.1); c.860-1070G>T (NM_001286403.2).
Identifiers: ClinVar variation 317712 (VCV000317712.25), dbSNP rs34654419, ClinGen allele CA7900375.

ClinVar aggregate classification (germline): Benign/Likely benign. Review status: criteria provided, multiple submitters, no conflicts (2 of 4 stars). 9 submissions from 9 submitters: Benign (7); Likely benign (1). 1 of the submissions does not count toward it. Last evaluated 2026-02-04.

Conditions:
MHC class II deficiency. Also called: Bare lymphocyte syndrome 2; BLS, TYPE II. Identifiers: Orphanet 572, MedGen C5447452, MONDO:0008855.

Allele frequency attached by ClinVar (database versions not stated): ESP Exome Variant Server 0.19828; gnomAD exomes 0.21076 and 0.23495; gnomAD 0.21279 and 0.21352; 1000 Genomes Project 0.21585; 1000 Genomes Project 30x 0.22189; TOPMed 0.22542; ExAC 0.23287.
gnomAD v4.1: 333,148 of 1,577,540 alleles (21%); highest among the groups gnomAD compares: Admixed American, 40%; 37,267 homozygotes.

Submissions (9):

Labcorp Genetics (formerly Invitae), Labcorp
Classification: Benign for MHC class II deficiency. Last evaluated: 2026-02-04. Review status: criteria provided, single submitter. Criteria: Invitae Variant Classification Sherloc (09022015). Collection method: clinical testing. Allele origin: germline.

Women's Health and Genetics/Laboratory Corporation of America, LabCorp
Classification: Benign. Last evaluated: 2026-01-21. Review status: criteria provided, single submitter. Criteria: LabCorp Variant Classification Summary - May 2015. Collection method: clinical testing. Allele origin: germline.

Blueprint Genetics
Classification: Likely benign. Last evaluated: 2024-11-27. Review status: criteria provided, single submitter. Criteria: ACMG Guidelines, 2015. Collection method: clinical testing. Allele origin: germline.

Genome-Nilou Lab
Classification: Benign for MHC class II deficiency 1. Last evaluated: 2021-07-10. Review status: criteria provided, single submitter. Criteria: ACMG Guidelines, 2015. Collection method: clinical testing. Allele origin: germline. Affected: no.

Mayo Clinic Laboratories, Mayo Clinic
Classification: Benign. Last evaluated: 2018-04-19. Review status: criteria provided, single submitter. Criteria: ACMG Guidelines, 2015. Collection method: clinical testing. Allele origin: germline. Observed: 49 variant alleles.

Illumina Laboratory Services, Illumina
Classification: Benign for MHC class II deficiency 1. Last evaluated: 2018-01-13. Review status: criteria provided, single submitter. Criteria: ICSL Variant Classification Criteria 13 December 2019. Collection method: clinical testing. Allele origin: germline.
Comment: This variant was observed in the ICSL laboratory as part of a predisposition screen in an ostensibly healthy population. It had not been previously curated by ICSL or reported in the Human Gene Mutation Database (HGMD: prior to June 1st, 2018), and was therefore a candidate for classification through an automated scoring system. Utilizing variant allele frequency, disease prevalence and penetrance estimates, and inheritance mode, an automated score was calculated to assess if this variant is too frequent to cause the disease. Based on the score and internal cut-off values, a variant classified as benign is not then subjected to further curation. The score for this variant resulted in a classification of benign for this disease.

Laboratory for Molecular Medicine, Mass General Brigham Personalized Medicine
Classification: Benign. Last evaluated: 2016-03-28. Review status: criteria provided, single submitter. Criteria: LMM Criteria. Collection method: clinical testing. Allele origin: germline.
Comment: Variant identified in a genome or exome case(s) and assessed due to predicted null impact of the variant or pathogenic assertions in the literature or databases. Disclaimer: This variant has not undergone full assessment. The following are preliminary notes: Frequency

Breakthrough Genomics
Classification: Benign. Review status: criteria provided, single submitter. Criteria: ACMG Guidelines, 2015. Collection method: not provided. Allele origin: germline. Inheritance: Autosomal recessive inheritance. Affected: yes.

Natera, Inc.
Classification: Benign for Bare lymphocyte syndrome type II. Last evaluated: 2020-09-16. Review status: no assertion criteria provided. Collection method: clinical testing. Allele origin: germline. Not counted in ClinVar's aggregate classification.